The following is an entry in ClinVar:

ClinVar aggregate classification (germline): Pathogenic (1 of 4 stars; one submission).

Conditions:
Microcephaly-intellectual disability-sensorineural hearing loss-epilepsy-abnormal muscle tone syndrome (NEDHSB). Also called: NEURODEVELOPMENTAL DISORDER WITH HEARING LOSS, SEIZURES, AND BRAIN ABNORMALITIES. Identifiers: Orphanet 457351, MedGen C4225276, MONDO:0014698, OMIM 616577.

Submission:

Labcorp Genetics (formerly Invitae), Labcorp
Classification: Pathogenic for Microcephaly-intellectual disability-sensorineural hearing loss-epilepsy-abnormal muscle tone syndrome. Last evaluated: 2022-02-20. Review status: criteria provided, single submitter. Criteria: Invitae Variant Classification Sherloc (09022015). Collection method: clinical testing. Allele origin: germline.
Comment: For these reasons, this variant has been classified as Pathogenic. This variant has not been reported in the literature in individuals affected with SPATA5-related conditions. This variant is not present in population databases (gnomAD no frequency). This sequence change creates a premature translational stop signal (p.Ile418Metfs*6) in the SPATA5 gene. It is expected to result in an absent or disrupted protein product. Loss-of-function variants in SPATA5 are known to be pathogenic (PMID: 26299366).

Literature cited by the submitters: PubMed 26299366.

NM_145207.3(AFG2A):c.1254_1257del (p.Ile418fs)

Gene: AFG2A (AAA ATPase AFG2A; plus strand). Cytogenetic location: 4q28.1.
Variant type: Microsatellite.
Coding change: c.1254_1257del on transcript NM_145207.3 (MANE Select); coding-DNA positions 1254 to 1257, 4 bases deleted (TAAT; older notation c.1254_1257delTAAT).
Protein change: p.Ile418fs; shifts the reading frame from isoleucine 418.
Molecular consequence: frameshift variant.
Genome position (GRCh38, 1-based): chr4:122,935,820-122,935,823, TAAT deleted; deleting any 4 consecutive bases within chr4:122,935,816-122,935,823 gives the same sequence; the c. name uses the placement nearest the transcript's 3' end. VCF-style (leftmost placement, unchanged base first): chr4-122935815-GTAAT-G. GRCh37 (hg19) VCF-style: chr4-123856970-GTAAT-G.
Other names: c.1251_1254del, p.Ile417fs (NM_001317799.2, NM_001345856.2); short protein forms I418fs, I417fs.
Identifiers: ClinVar variation 2100148 (VCV002100148.3), dbSNP rs2476819449, ClinGen allele CA2578190448.
Genomic context (GRCh38, chr4:122,935,815, plus strand): 5'-GGTACTGGAAAAACAATGATCGCCAGGGCTGTTGCTAATGAAGTTGGAGCCTATGTTTCT[GTAAT>G]TAATGGTCCTGAAATTATAAGCAAGTAAGTACATGATTTAATAGAGTAAACTTACTATTA-3'